The following is an entry in ClinVar:

ClinVar aggregate classification (germline): Pathogenic (1 of 4 stars; one submission).

gnomAD v4.1: 1 of 1,614,016 alleles (0.000062%); highest among the groups gnomAD compares: South Asian, 0.0011%; no homozygotes.

Submission:

Labcorp Genetics (formerly Invitae), Labcorp
Classification: Pathogenic. Last evaluated: 2024-10-29. Review status: criteria provided, single submitter. Criteria: Invitae Variant Classification Sherloc (09022015). Collection method: clinical testing. Allele origin: germline.
Comment: This sequence change creates a premature translational stop signal (p.Gln169*) in the TOE1 gene. It is expected to result in an absent or disrupted protein product. Loss-of-function variants in TOE1 are known to be pathogenic (PMID: 28092684, 34716526). This variant is present in population databases (rs747546453, gnomAD 0.003%). This variant has not been reported in the literature in individuals affected with TOE1-related conditions. For these reasons, this variant has been classified as Pathogenic.

Literature cited by the submitters: PubMed 28092684; PubMed 34716526.

NM_025077.4(TOE1):c.505C>T (p.Gln169Ter)

Gene: TOE1 (target of EGR1, exonuclease; plus strand). Cytogenetic location: 1p34.1.
Variant type: single nucleotide variant.
Coding change: c.505C>T on transcript NM_025077.4 (MANE Select); coding-DNA position 505, C replaced by T.
Protein change: p.Gln169Ter; replaces glutamine 169 with a stop codon.
Molecular consequence: nonsense.
Genome position (GRCh38, 1-based): chr1:45,342,396, C>T. VCF-style: chr1-45342396-C-T. GRCh37 (hg19) VCF-style: chr1-45808068-C-T.
Other names: short protein forms Q169*.
Identifiers: ClinVar variation 3624127 (VCV003624127.2).